The following is an entry in ClinVar:

ClinVar aggregate classification (germline): Uncertain significance (1 of 4 stars; one submission).

Conditions:
Primary ciliary dyskinesia. Also called: Ciliary dyskinesia. Identifiers: Orphanet 244, MedGen C0008780, MONDO:0016575, HP:0012265.

Submission:

Labcorp Genetics (formerly Invitae), Labcorp
Classification: Uncertain significance for Primary ciliary dyskinesia. Last evaluated: 2019-10-30. Review status: criteria provided, single submitter. Criteria: Invitae Variant Classification Sherloc (09022015). Collection method: clinical testing. Allele origin: germline.
Comment: In summary, the available evidence is currently insufficient to determine the role of this variant in disease. Therefore, it has been classified as a Variant of Uncertain Significance. Nucleotide substitutions within the consensus splice site are a relatively common cause of aberrant splicing (PMID: 17576681, 9536098). Algorithms developed to predict the effect of sequence changes on RNA splicing suggest that this variant may create or strengthen a splice site, but this prediction has not been confirmed by published transcriptional studies. This variant has not been reported in the literature in individuals with DNAH8-related conditions. This variant is not present in population databases (ExAC no frequency). This sequence change falls in intron 89 of the DNAH8 gene. It does not directly change the encoded amino acid sequence of the DNAH8 protein, but it affects a nucleotide within the consensus splice site of the intron.

Literature cited by the submitters: PubMed 17576681; PubMed 9536098.

NM_001206927.2(DNAH8):c.13371+4A>G

Gene: DNAH8 (dynein axonemal heavy chain 8; plus strand). Cytogenetic location: 6p21.2.
Variant type: single nucleotide variant.
Coding change: c.13371+4A>G on transcript NM_001206927.2 (MANE Select); 4 bases into the intron after coding-DNA position 13371, A replaced by G.
Molecular consequence: intron variant.
Genome position (GRCh38, 1-based): chr6:39,008,974, A>G. VCF-style: chr6-39008974-A-G. GRCh37 (hg19) VCF-style: chr6-38976750-A-G.
Other names: c.12720+4A>G (NM_001371.4).
Identifiers: ClinVar variation 966580 (VCV000966580.6), dbSNP rs1765994363, ClinGen allele CA1139659501.